The following is an entry in ClinVar:

ClinVar aggregate classification (germline): Uncertain significance. Review status: criteria provided, multiple submitters, no conflicts (2 of 4 stars). 2 submissions from 2 submitters: Uncertain significance (2). Last evaluated 2026-04-01.

Conditions:
Tremor, hereditary essential, 4 (ETM4). Identifiers: MedGen C3539195, MONDO:0013888, OMIM 614782.
Amyotrophic lateral sclerosis type 6. Also called: FUS-Related Amyotrophic Laterial Sclerosis; AMYOTROPHIC LATERAL SCLEROSIS 6 WITHOUT FRONTOTEMPORAL DEMENTIA; Amyotrophic lateral sclerosis 6, with or without frontotemporal dementia. Identifiers: Orphanet 275872, Orphanet 803, MedGen C2931786, MONDO:0011951, OMIM 608030.

Allele frequency attached by ClinVar (database versions not stated): ExAC 0.00002; gnomAD 0.00004; TOPMed 0.00004.
gnomAD v4.1: 8 of 1,611,260 alleles (0.0005%); highest among the groups gnomAD compares: African/African-American, 0.0067%; no homozygotes.

Submissions (2):

CeGaT Center for Human Genetics Tuebingen
Classification: Uncertain significance. Last evaluated: 2026-04-01. Review status: criteria provided, single submitter. Criteria: CeGaT Center For Human Genetics Tuebingen Variant Classification Criteria Version 2. Collection method: clinical testing. Allele origin: germline. Affected: yes. Observed: 1 variant allele.
Comment: FUS: PM2:Supporting

Labcorp Genetics (formerly Invitae), Labcorp
Classification: Uncertain significance for Tremor, hereditary essential, 4; Amyotrophic lateral sclerosis type 6. Last evaluated: 2024-10-12. Review status: criteria provided, single submitter. Criteria: Invitae Variant Classification Sherloc (09022015). Collection method: clinical testing. Allele origin: germline.
Comment: This sequence change replaces arginine, which is basic and polar, with histidine, which is basic and polar, at codon 216 of the FUS protein (p.Arg216His). This variant is present in population databases (rs749203909, gnomAD 0.006%). This variant has not been reported in the literature in individuals affected with FUS-related conditions. ClinVar contains an entry for this variant (Variation ID: 1908419). An algorithm developed to predict the effect of missense changes on protein structure and function (PolyPhen-2) suggests that this variant is likely to be tolerated. In summary, the available evidence is currently insufficient to determine the role of this variant in disease. Therefore, it has been classified as a Variant of Uncertain Significance.

NM_004960.4(FUS):c.647G>A (p.Arg216His)

Gene: FUS (FUS DNA/RNA binding protein; plus strand). Cytogenetic location: 16p11.2.
Variant type: single nucleotide variant.
Coding change: c.647G>A on transcript NM_004960.4 (MANE Select); coding-DNA position 647, G replaced by A.
Protein change: p.Arg216His; replaces arginine 216 with histidine.
Molecular consequence: missense variant. On other transcripts: non-coding transcript variant (1).
Genome position (GRCh38, 1-based): chr16:31,185,062, G>A. VCF-style: chr16-31185062-G-A. GRCh37 (hg19) VCF-style: chr16-31196383-G-A.
Other names: c.644G>A, p.Arg215His (NM_001170634.1); c.635G>A, p.Arg212His (NM_001170937.1); short protein forms R212H, R215H, R216H.
Identifiers: ClinVar variation 1908419 (VCV001908419.7), dbSNP rs749203909, ClinGen allele CA8023726.